The following is an entry in ClinVar:

ClinVar aggregate classification (germline): Likely benign. Review status: criteria provided, multiple submitters, no conflicts (2 of 4 stars). 7 submissions from 7 submitters: Likely benign (6). 1 of the submissions does not count toward it. Last evaluated 2026-05-01.

Conditions:
Charcot-Marie-Tooth disease axonal type 2O. Also called: CHARCOT-MARIE-TOOTH NEUROPATHY, AXONAL, TYPE 2O; CHARCOT-MARIE-TOOTH DISEASE, AXONAL, AUTOSOMAL DOMINANT, TYPE 2O; Charcot-Marie-Tooth disease, axonal, type 20; Charcot-Marie-Tooth Neuropathy Type 2O. Identifiers: Orphanet 284232, MedGen C3280220, MONDO:0013644, OMIM 614228.
Intellectual disability. Also called: intellectual disabilities; Intellectual developmental disorder; Intellectual functioning disability. Identifiers: MedGen C3714756, MeSH D008607, MONDO:0001071, HP:0001249.
DYNC1H1-related disorder. Also called: DYNC1H1-related condition; DYNC1H1-related disorders. Identifiers: MedGen CN381529.
Inborn genetic diseases. Identifiers: MedGen C0950123, MeSH D030342.

Allele frequency attached by ClinVar (database versions not stated): gnomAD 0.00012 and 0.00013; ESP Exome Variant Server 0.00008; ExAC 0.00010; gnomAD exomes 0.00011; TOPMed 0.00011.
gnomAD v4.1: 414 of 1,613,420 alleles (0.026%); highest among the groups gnomAD compares: Non-Finnish European, 0.033%; no homozygotes.

Submissions (7):

CeGaT Center for Human Genetics Tuebingen
Classification: Likely benign. Last evaluated: 2026-05-01. Review status: criteria provided, single submitter. Criteria: CeGaT Center For Human Genetics Tuebingen Variant Classification Criteria Version 2. Collection method: clinical testing. Allele origin: germline. Affected: yes. Observed: 7 variant alleles.
Comment: DYNC1H1: BS1

PreventionGenetics, part of Exact Sciences
Classification: Likely benign for DYNC1H1-related condition. Last evaluated: 2025-11-24. Review status: criteria provided, single submitter. Criteria: ACMG Guidelines, 2015. Collection method: clinical testing. Allele origin: germline.
Comment: This variant is classified as likely benign based on ACMG/AMP sequence variant interpretation guidelines (Richards et al. 2015 PMID: 25741868, with internal and published modifications).

Labcorp Genetics (formerly Invitae), Labcorp
Classification: Likely benign for Charcot-Marie-Tooth disease axonal type 2O. Last evaluated: 2025-10-28. Review status: criteria provided, single submitter. Criteria: Invitae Variant Classification Sherloc (09022015). Collection method: clinical testing. Allele origin: germline.

Blueprint Genetics
Classification: Likely benign. Last evaluated: 2024-10-22. Review status: criteria provided, single submitter. Criteria: ACMG Guidelines, 2015. Collection method: clinical testing. Allele origin: germline.

GeneDx
Classification: Likely benign. Last evaluated: 2020-05-19. Review status: criteria provided, single submitter. Criteria: GeneDx Variant Classification Process June 2021. Collection method: clinical testing. Allele origin: germline. Affected: yes.
Comment: This variant is associated with the following publications: (PMID: 26392352, 32376792)

Ambry Genetics
Classification: Likely benign for Inborn genetic diseases. Last evaluated: 2019-11-12. Review status: criteria provided, single submitter. Criteria: Ambry Variant Classification Scheme 2023. Collection method: clinical testing. Allele origin: germline.

Centre de Biologie Pathologie Génétique, Centre Hospitalier Universitaire de Lille
Classification: Likely benign for Intellectual disability. Last evaluated: 2019-01-01. Review status: no assertion criteria provided. Collection method: clinical testing. Allele origin: inherited. Affected: yes. Not counted in ClinVar's aggregate classification.

NM_001376.5(DYNC1H1):c.13349C>T (p.Thr4450Met)

Gene: DYNC1H1 (dynein cytoplasmic 1 heavy chain 1; plus strand). Cytogenetic location: 14q32.31.
Variant type: single nucleotide variant.
Coding change: c.13349C>T on transcript NM_001376.5 (MANE Select); coding-DNA position 13349, C replaced by T.
Protein change: p.Thr4450Met; replaces threonine 4450 with methionine.
Molecular consequence: missense variant.
Genome position (GRCh38, 1-based): chr14:102,048,646, C>T. VCF-style: chr14-102048646-C-T. GRCh37 (hg19) VCF-style: chr14-102514983-C-T.
Other names: short protein forms T4450M.
Identifiers: ClinVar variation 392076 (VCV000392076.59), dbSNP rs146087540, ClinGen allele CA7354212.